The following is an entry in ClinVar:

ClinVar aggregate classification (germline): Benign/Likely benign. Review status: criteria provided, multiple submitters, no conflicts (2 of 4 stars). 3 submissions from 3 submitters: Benign (1); Likely benign (2). Last evaluated 2026-01-13.

Conditions:
GREB1L-related disorder. Also called: GREB1L-related condition.

Allele frequency attached by ClinVar (database versions not stated): gnomAD 0.00013; 1000 Genomes Project 30x 0.00094; ExAC 0.00107; 1000 Genomes Project 0.00140; TOPMed 0.00002.
gnomAD v4.1: 251 of 1,551,074 alleles (0.016%); highest among the groups gnomAD compares: South Asian, 0.25%; 1 homozygote.

Submissions (3):

PreventionGenetics, part of Exact Sciences
Classification: Likely benign for GREB1L-related condition. Last evaluated: 2026-01-13. Review status: criteria provided, single submitter. Criteria: ACMG Guidelines, 2015. Collection method: clinical testing. Allele origin: germline.
Comment: This variant is classified as likely benign based on ACMG/AMP sequence variant interpretation guidelines (Richards et al. 2015 PMID: 25741868, with internal and published modifications).

Labcorp Genetics (formerly Invitae), Labcorp
Classification: Benign. Last evaluated: 2025-09-28. Review status: criteria provided, single submitter. Criteria: Invitae Variant Classification Sherloc (09022015). Collection method: clinical testing. Allele origin: germline.

Blueprint Genetics
Classification: Likely benign. Last evaluated: 2024-01-23. Review status: criteria provided, single submitter. Criteria: ACMG Guidelines, 2015. Collection method: clinical testing. Allele origin: germline.

NM_001142966.3(GREB1L):c.5130-7A>C

Gene: GREB1L (GREB1 like retinoic acid receptor coactivator; plus strand). Cytogenetic location: 18q11.2.
Variant type: single nucleotide variant.
Coding change: c.5130-7A>C on transcript NM_001142966.3 (MANE Select); 7 bases into the intron before coding-DNA position 5130, A replaced by C.
Molecular consequence: intron variant.
Genome position (GRCh38, 1-based): chr18:21,516,606, A>C. VCF-style: chr18-21516606-A-C. GRCh37 (hg19) VCF-style: chr18-19096567-A-C.
Other names: c.5130-7A>C (NM_001142966.1); c.5259-7A>C (NM_001410867.1); c.4803-7A>C (NM_001410868.1).
Identifiers: ClinVar variation 2911179 (VCV002911179.5), dbSNP rs569028882, ClinGen allele CA8906723.
Genomic context (GRCh38, chr18:21,516,606, plus strand): 5'-TCTGTGTATAGTTATCATGGTTGAGATATGCCAGCGGAAGAAAACTATTGTTGTGGTTAC[A>C]ATTTAGGTATTTCTGTGAAGATGCTGACTTTAATCTGAGAACAAACAGTAGTGGCCTGCT-3'